The following is an entry in ClinVar:

ClinVar aggregate classification (germline): Benign/Likely benign. Review status: criteria provided, multiple submitters, no conflicts (2 of 4 stars). 4 submissions from 4 submitters: Benign (2); Likely benign (1). 1 of the submissions does not count toward it. Last evaluated 2025-06-13.

Conditions:
Aromatase deficiency. Also called: PSEUDOHERMAPHRODITISM, FEMALE, DUE TO PLACENTAL AROMATASE DEFICIENCY; Increased aromatase activity. Identifiers: Orphanet 91, MedGen C1960539, MONDO:0013301, OMIM 613546.

Allele frequency attached by ClinVar (database versions not stated): gnomAD exomes 0.00013 and 0.00040; ExAC 0.00046; 1000 Genomes Project 0.00120; 1000 Genomes Project 30x 0.00125; gnomAD 0.00146 and 0.00160; TOPMed 0.00174; ESP Exome Variant Server 0.00177.
gnomAD v4.1: 429 of 1,614,086 alleles (0.027%); highest among the groups gnomAD compares: African/African-American, 0.48%; no homozygotes.

Submissions (4):

Labcorp Genetics (formerly Invitae), Labcorp
Classification: Benign. Last evaluated: 2025-06-13. Review status: criteria provided, single submitter. Criteria: Invitae Variant Classification Sherloc (09022015). Collection method: clinical testing. Allele origin: germline.

Blueprint Genetics
Classification: Likely benign. Last evaluated: 2024-10-18. Review status: criteria provided, single submitter. Criteria: ACMG Guidelines, 2015. Collection method: clinical testing. Allele origin: germline.

Illumina Laboratory Services, Illumina
Classification: Benign for Aromatase deficiency. Last evaluated: 2017-04-27. Review status: criteria provided, single submitter. Criteria: ICSL Variant Classification Criteria 13 December 2019. Collection method: clinical testing. Allele origin: germline.
Comment: This variant was observed as part of a predisposition screen in an ostensibly healthy population. A literature search was performed for the gene, cDNA change, and amino acid change (where applicable). Publications were found based on this search. The evidence from the literature, in combination with allele frequency data from public databases where available, was sufficient to rule this variant out of causing disease. Therefore, this variant is classified as benign.

Natera, Inc.
Classification: Likely benign for Aromatase deficiency. Last evaluated: 2020-04-17. Review status: no assertion criteria provided. Collection method: clinical testing. Allele origin: germline. Not counted in ClinVar's aggregate classification.

Literature cited by the submitters: PubMed 25415177 (cited by Illumina Laboratory Services, Illumina).

NM_000103.4(CYP19A1):c.963C>G (p.Leu321=)

Genes: CYP19A1 (cytochrome P450 family 19 subfamily A member 1; minus strand), MIR4713HG (MIR4713 host gene; plus strand), PIRC66 (piwi-interacting RNA cluster 66; plus strand). Cytogenetic location: 15q21.2.
Variant type: single nucleotide variant.
Coding change: c.963C>G on transcript NM_000103.4 (MANE Select); coding-DNA position 963, C replaced by G.
Protein change: p.Leu321=; no amino-acid change (leucine 321 retained).
Molecular consequence: synonymous variant.
Genome position (GRCh38, 1-based): chr15:51,215,128, G>C on the plus strand (C>G on the coding strand, the complement: CYP19A1 is on the minus strand). VCF-style: chr15-51215128-G-C. GRCh37 (hg19) VCF-style: chr15-51507325-G-C.
Other names: c.963C>G, p.Leu321= (NM_001347248.1, NM_001347249.2, NM_001347250.2 and 7 more transcripts).
Identifiers: ClinVar variation 724362 (VCV000724362.18), dbSNP rs59359360, ClinGen allele CA7559896.